The following is an entry in ClinVar:

ClinVar aggregate classification (germline): Pathogenic (0 of 4 stars; one submission).

Submission:

GenMed Metabolism Lab
Classification: Pathogenic. Review status: no assertion criteria provided. Collection method: not provided. Allele origin: unknown.
Comment: p.His302Arg, Neonatal
ClinVar note: Converted during submission from pathogenic to Pathogenic.

NM_000531.6(OTC):c.905A>G (p.His302Arg)

Gene: OTC (ornithine transcarbamylase; plus strand). Cytogenetic location: Xp11.4.
Variant type: single nucleotide variant.
Coding change: c.905A>G on transcript NM_000531.6 (MANE Select); coding-DNA position 905, A replaced by G.
Protein change: p.His302Arg; replaces histidine 302 with arginine.
Molecular consequence: missense variant.
Genome position (GRCh38, 1-based): chrX:38,411,899, A>G. VCF-style: chrX-38411899-A-G. GRCh37 (hg19) VCF-style: chrX-38271152-A-G.
Other names: short protein forms H302R.
Identifiers: ClinVar variation 97352 (VCV000097352.2), dbSNP rs67993095, ClinGen allele CA224825.